The following is an entry in ClinVar:

ClinVar aggregate classification (germline): Uncertain significance (1 of 4 stars; one submission).

Conditions:
Diaphanospondylodysostosis. Also called: VERTEBRAL OSSIFICATION, DEFECT IN, WITH NEPHROGENIC RESTS. Identifiers: Orphanet 66637, MedGen C1842691, MONDO:0011946, OMIM 608022.

gnomAD v4.1: 8 of 1,612,714 alleles (0.0005%); highest among the groups gnomAD compares: Admixed American, 0.013%; no homozygotes.

Submission:

Juno Genomics, Hangzhou Juno Genomics, Inc
Classification: Uncertain significance for Diaphanospondylodysostosis. Review status: criteria provided, single submitter. Criteria: ACMG Guidelines, 2015. Collection method: clinical testing. Allele origin: germline.
Comment: Absent from controls (or at extremely low frequency if recessive) in Genome Aggregation Database.;Multiple lines of computational evidence support a deleterious effect on the gene or gene product.;For recessive disorders, detected in trans with a pathogenic variant.;Patient's phenotype or family history is highly specific for a disease with a single genetic etiology.

NM_001365308.1(BMPER):c.1032+3A>G

Gene: BMPER (BMP binding endothelial regulator; plus strand). Cytogenetic location: 7p14.3.
Variant type: single nucleotide variant.
Coding change: c.1032+3A>G on transcript NM_001365308.1 (MANE Select); 3 bases into the intron after coding-DNA position 1032, A replaced by G.
Molecular consequence: intron variant.
Genome position (GRCh38, 1-based): chr7:34,058,166, A>G. VCF-style: chr7-34058166-A-G. GRCh37 (hg19) VCF-style: chr7-34097778-A-G.
Other names: c.1032+3A>G (NM_133468.5, NM_001410872.1).
Identifiers: ClinVar variation 5007210 (VCV005007210.2).